The following is an entry in ClinVar:

NM_014714.4(IFT140):c.4384C>A (p.Pro1462Thr)

Gene: IFT140 (intraflagellar transport 140; minus strand). Cytogenetic location: 16p13.3.
Variant type: single nucleotide variant.
Coding change: c.4384C>A on transcript NM_014714.4 (MANE Select); coding-DNA position 4384, C replaced by A.
Protein change: p.Pro1462Thr; replaces proline 1462 with threonine.
Molecular consequence: missense variant.
Genome position (GRCh38, 1-based): chr16:1,510,949, G>T on the plus strand (C>A on the coding strand, the complement: IFT140 is on the minus strand). VCF-style: chr16-1510949-G-T. GRCh37 (hg19) VCF-style: chr16-1560950-G-T.
Other names: short protein forms P1462T.
Identifiers: ClinVar variation 3731240 (VCV003731240.1).

ClinVar aggregate classification (germline): Uncertain significance (1 of 4 stars; one submission).

gnomAD v4.1: 2 of 1,611,076 alleles (0.00012%); highest among the groups gnomAD compares: Admixed American, 0.0033%; no homozygotes.

Submission:

GeneDx
Classification: Uncertain significance. Last evaluated: 2024-08-15. Review status: criteria provided, single submitter. Criteria: GeneDx Variant Classification Process June 2021. Collection method: clinical testing. Allele origin: germline. Affected: yes.
Comment: In silico analysis indicates that this missense variant does not alter protein structure/function; Has not been previously published as pathogenic or benign to our knowledge